The following is an entry in ClinVar:

NM_000548.5(TSC2):c.2158A>G (p.Lys720Glu)

Gene: TSC2 (TSC complex subunit 2; plus strand). Cytogenetic location: 16p13.3.
Variant type: single nucleotide variant.
Coding change: c.2158A>G on transcript NM_000548.5 (MANE Select); coding-DNA position 2158, A replaced by G.
Protein change: p.Lys720Glu; replaces lysine 720 with glutamic acid.
Molecular consequence: missense variant.
Genome position (GRCh38, 1-based): chr16:2,072,301, A>G. VCF-style: chr16-2072301-A-G. GRCh37 (hg19) VCF-style: chr16-2122302-A-G.
Other names: c.2158A>G, p.Lys720Glu (NM_001077183.3, NM_001114382.3, NM_001363528.2 and 3 more transcripts); c.2047A>G, p.Lys683Glu (NM_001318827.2); c.2011A>G, p.Lys671Glu (NM_001318829.2); c.1558A>G, p.Lys520Glu (NM_001318831.2); c.2191A>G, p.Lys731Glu (NM_001318832.2); short protein forms K520E, K671E, K683E, K720E, K731E.
Identifiers: ClinVar variation 659239 (VCV000659239.15), dbSNP rs1195091149, ClinGen allele CA394274862.

ClinVar aggregate classification (germline): Conflicting classifications of pathogenicity. Review status: criteria provided, conflicting classifications (1 of 4 stars). 5 submissions from 5 submitters: Uncertain significance (4); Benign (1). Last evaluated 2026-01-23.

Conditions:
Isolated focal cortical dysplasia type II (FCORD2). Also called: Focal cortical dysplasia type II; CORTICAL DYSPLASIA OF TAYLOR. Identifiers: Orphanet 268994, MedGen C1846385, MONDO:0011818, OMIM 607341, HP:0032051.
Lymphangiomyomatosis (LAM). Also called: Lymphangioleiomyomatosis; Lymphangioleiomyomatosis, somatic. Identifiers: Orphanet 538, MedGen C0751674, MONDO:0011705, OMIM 606690.
Tuberous sclerosis 2 (TSC2). Identifiers: Orphanet 805, MedGen C1860707, MONDO:0013199, OMIM 613254.
Hereditary cancer-predisposing syndrome. Also called: Neoplastic Syndromes, Hereditary; Hereditary Cancer Syndrome; Tumor predisposition; Hereditary neoplastic syndrome. Identifiers: Orphanet 140162, MedGen C0027672, MeSH D009386, MONDO:0015356.
Tuberous sclerosis syndrome (TSC). Also called: Tuberous Sclerosis Complex; Tuberous sclerosis. Identifiers: Orphanet 805, MedGen C0041341, MONDO:0001734.

Allele frequency attached by ClinVar (database versions not stated): gnomAD exomes below 0.00001.
gnomAD v4.1: 1 of 1,614,094 alleles (0.000062%); highest among the groups gnomAD compares: African/African-American, 0.0013%; no homozygotes.

Submissions (5):

Ambry Genetics
Classification: Uncertain significance for Hereditary cancer-predisposing syndrome. Last evaluated: 2026-01-23. Review status: criteria provided, single submitter. Criteria: Ambry Variant Classification Scheme 2023. Collection method: clinical testing. Allele origin: germline.
Comment: The p.K720E variant (also known as c.2158A>G), located in coding exon 19 of the TSC2 gene, results from an A to G substitution at nucleotide position 2158. The lysine at codon 720 is replaced by glutamic acid, an amino acid with similar properties. This amino acid position is highly conserved in available vertebrate species. In addition, this alteration is predicted to be deleterious by in silico analysis. Based on the available evidence, the clinical significance of this variant remains unclear.

Labcorp Genetics (formerly Invitae), Labcorp
Classification: Benign for Tuberous sclerosis 2. Last evaluated: 2025-08-10. Review status: criteria provided, single submitter. Criteria: Invitae Variant Classification Sherloc (09022015). Collection method: clinical testing. Allele origin: germline.

Color Diagnostics, LLC DBA Color Health
Classification: Uncertain significance for Tuberous sclerosis syndrome. Last evaluated: 2025-07-11. Review status: criteria provided, single submitter. Criteria: ACMG Guidelines, 2015. Collection method: clinical testing. Allele origin: germline.
Comment: This missense variant replaces lysine with glutamic acid at codon 720 of the TSC2 protein. Computational prediction suggests that this variant may have deleterious impact on protein structure and function. To our knowledge, functional studies have not been reported for this variant. This variant has not been reported in individuals affected with TSC2-related disorders in the literature. This variant has been identified in 1/251218 chromosomes in the general population by the Genome Aggregation Database (gnomAD). The available evidence is insufficient to determine the role of this variant in disease conclusively. Therefore, this variant is classified as a Variant of Uncertain Significance.

Fulgent Genetics
Classification: Uncertain significance for Lymphangiomyomatosis; Isolated focal cortical dysplasia type II; Tuberous sclerosis 2. Last evaluated: 2024-04-10. Review status: criteria provided, single submitter. Criteria: ACMG Guidelines, 2015. Collection method: clinical testing. Allele origin: germline.

Blueprint Genetics
Classification: Uncertain significance. Last evaluated: 2017-08-18. Review status: criteria provided, single submitter. Criteria: ACMG Guidelines, 2015. Collection method: clinical testing. Allele origin: germline.